The following is an entry in ClinVar:

NM_001851.6(COL9A1):c.1611G>A (p.Thr537=)

Gene: COL9A1 (collagen type IX alpha 1 chain; minus strand). Cytogenetic location: 6q13.
Variant type: single nucleotide variant.
Coding change: c.1611G>A on transcript NM_001851.6 (MANE Select); coding-DNA position 1611, G replaced by A.
Protein change: p.Thr537=; no amino-acid change (threonine 537 retained).
Molecular consequence: synonymous variant. On other transcripts: non-coding transcript variant (1).
Genome position (GRCh38, 1-based): chr6:70,255,150, C>T on the plus strand (G>A on the coding strand, the complement: COL9A1 is on the minus strand). VCF-style: chr6-70255150-C-T. GRCh37 (hg19) VCF-style: chr6-70964853-C-T.
Other names: c.882G>A, p.Thr294= (NM_001377289.1, NM_001377290.1, NM_078485.4).
Identifiers: ClinVar variation 1702382 (VCV001702382.6), dbSNP rs529005717, ClinGen allele CA3882124.

ClinVar aggregate classification (germline): Uncertain significance. Review status: criteria provided, multiple submitters, no conflicts (2 of 4 stars). 3 submissions from 3 submitters: Uncertain significance (3). Last evaluated 2024-08-12.

Conditions:
Connective tissue disorder. Also called: Connective tissue disease. Identifiers: MedGen C0009782, MONDO:0003900.

Allele frequency attached by ClinVar (database versions not stated): TOPMed below 0.00001; gnomAD 0.00001; ExAC 0.00004; gnomAD exomes 0.00006.
gnomAD v4.1: 34 of 1,614,190 alleles (0.0021%); highest among the groups gnomAD compares: South Asian, 0.023%; no homozygotes.

Submissions (3):

Blueprint Genetics
Classification: Uncertain significance. Last evaluated: 2024-08-12. Review status: criteria provided, single submitter. Criteria: ACMG Guidelines, 2015. Collection method: clinical testing. Allele origin: germline.

Labcorp Genetics (formerly Invitae), Labcorp
Classification: Uncertain significance. Last evaluated: 2022-04-11. Review status: criteria provided, single submitter. Criteria: Invitae Variant Classification Sherloc (09022015). Collection method: clinical testing. Allele origin: germline.
Comment: This sequence change affects codon 537 of the COL9A1 mRNA. It is a 'silent' change, meaning that it does not change the encoded amino acid sequence of the COL9A1 protein. This variant also falls at the last nucleotide of exon 23, which is part of the consensus splice site for this exon. This variant is present in population databases (rs529005717, gnomAD 0.04%). This variant has not been reported in the literature in individuals affected with COL9A1-related conditions. Variants that disrupt the consensus splice site are a relatively common cause of aberrant splicing (PMID: 17576681, 9536098). Algorithms developed to predict the effect of sequence changes on RNA splicing suggest that this variant is not likely to affect RNA splicing. In summary, the available evidence is currently insufficient to determine the role of this variant in disease. Therefore, it has been classified as a Variant of Uncertain Significance.

Genome Diagnostics Laboratory, The Hospital for Sick Children
Classification: Uncertain significance for Connective tissue disorder. Last evaluated: 2019-12-01. Review status: criteria provided, single submitter. Criteria: ACMG Guidelines, 2015. Collection method: clinical testing. Allele origin: germline.

Literature cited by the submitters: PubMed 17576681 (cited by Labcorp Genetics (formerly Invitae), Labcorp); PubMed 9536098 (cited by Labcorp Genetics (formerly Invitae), Labcorp).